The following is an entry in ClinVar:

ClinVar aggregate classification (germline): Uncertain significance (1 of 4 stars; one submission).

gnomAD v4.1: 149 of 1,613,996 alleles (0.0092%); highest among the groups gnomAD compares: Non-Finnish European, 0.012%; no homozygotes.

Submission:

Labcorp Genetics (formerly Invitae), Labcorp
Classification: Uncertain significance. Last evaluated: 2025-09-10. Review status: criteria provided, single submitter. Criteria: Invitae Variant Classification Sherloc (09022015). Collection method: clinical testing. Allele origin: germline.
Comment: This sequence change affects codon 490 of the KRT71 mRNA. It is a 'silent' change, meaning that it does not change the encoded amino acid sequence of the KRT71 protein. This variant is present in population databases (rs765559888, gnomAD 0.006%). This variant has not been reported in the literature in individuals affected with KRT71-related conditions. ClinVar contains an entry for this variant (Variation ID: 3670519). Algorithms developed to predict the effect of sequence changes on RNA splicing suggest that this variant may create or strengthen a splice site. In summary, the available evidence is currently insufficient to determine the role of this variant in disease. Therefore, it has been classified as a Variant of Uncertain Significance.

NM_033448.3(KRT71):c.1470G>A (p.Val490=)

Gene: KRT71 (keratin 71; minus strand). Cytogenetic location: 12q13.13.
Variant type: single nucleotide variant.
Coding change: c.1470G>A on transcript NM_033448.3 (MANE Select); coding-DNA position 1470, G replaced by A.
Protein change: p.Val490=; no amino-acid change (valine 490 retained).
Molecular consequence: synonymous variant.
Genome position (GRCh38, 1-based): chr12:52,544,634, C>T on the plus strand (G>A on the coding strand, the complement: KRT71 is on the minus strand). VCF-style: chr12-52544634-C-T. GRCh37 (hg19) VCF-style: chr12-52938418-C-T.
Identifiers: ClinVar variation 3670519 (VCV003670519.2).